The following is an entry in ClinVar:

ClinVar aggregate classification (germline): Uncertain significance (1 of 4 stars; one submission).

Submission:

GeneDx
Classification: Uncertain significance. Last evaluated: 2022-12-13. Review status: criteria provided, single submitter. Criteria: GeneDx Variant Classification Process June 2021. Collection method: clinical testing. Allele origin: germline. Affected: yes.
Comment: Not observed at significant frequency in large population cohorts (gnomAD); In silico analysis supports that this missense variant does not alter protein structure/function; Has not been previously published as pathogenic or benign to our knowledge

NM_001123385.2(BCOR):c.976C>G (p.Pro326Ala)

Genes: BCOR (BCL6 corepressor; minus strand), LOC126863239 (MED14-independent group 3 enhancer GRCh37_chrX:39932994-39934193; plus strand). Cytogenetic location: Xp11.4.
Variant type: single nucleotide variant.
Coding change: c.976C>G on transcript NM_001123385.2 (MANE Select); coding-DNA position 976, C replaced by G.
Protein change: p.Pro326Ala; replaces proline 326 with alanine.
Molecular consequence: missense variant.
Genome position (GRCh38, 1-based): chrX:40,074,370, G>C on the plus strand (C>G on the coding strand, the complement: BCOR is on the minus strand). VCF-style: chrX-40074370-G-C. GRCh37 (hg19) VCF-style: chrX-39933623-G-C.
Other names: c.976C>G, p.Pro326Ala (NM_001123383.2, NM_001123384.2, NM_017745.6); short protein forms P326A.
Identifiers: ClinVar variation 2505928 (VCV002505928.1), dbSNP rs1475754838, ClinGen allele CA412747573.